The following is an entry in ClinVar:

ClinVar aggregate classification (germline): Uncertain significance. Review status: criteria provided, multiple submitters, no conflicts (2 of 4 stars). 2 submissions from 2 submitters: Uncertain significance (2). Last evaluated 2022-03-19.

Conditions:
Early-infantile DEE. Also called: Ohtahara syndrome; Early infantile epileptic encephalopathy; Early infantile epileptic encephalopathy with suppression bursts. Identifiers: Orphanet 1934, MedGen C0393706, MONDO:0800491.
Seizures, benign familial neonatal, 1. Also called: Benign Neonatal Epilepsy 1; KCNQ2-Related Self-Limited Familial Neonatal Epilepsy (SLFNE); KCNQ2-Related Benign Familial Neonatal Epilepsy; Seizures, benign neonatal, 1. Identifiers: Orphanet 1949, MedGen C3149074, MONDO:0007365, OMIM 121200.
Developmental and epileptic encephalopathy, 7 (DEE7). Also called: Early infantile epileptic encephalopathy 7; KCNQ2-Related Neonatal-Onset Developmental and Epileptic Encephalopathy (NEO-DEE); KCNQ2-Related Neonatal Epileptic Encephalopathy. Identifiers: Orphanet 439218, MedGen C3150986, MONDO:0013387, OMIM 613720.

Submissions (2):

Labcorp Genetics (formerly Invitae), Labcorp
Classification: Uncertain significance for Early-infantile DEE. Last evaluated: 2022-03-19. Review status: criteria provided, single submitter. Criteria: Invitae Variant Classification Sherloc (09022015). Collection method: clinical testing. Allele origin: germline.
Comment: In summary, the available evidence is currently insufficient to determine the role of this variant in disease. Therefore, it has been classified as a Variant of Uncertain Significance. Algorithms developed to predict the effect of missense changes on protein structure and function are either unavailable or do not agree on the potential impact of this missense change (SIFT: "Tolerated"; PolyPhen-2: "Possibly Damaging"; Align-GVGD: "Class C0"). ClinVar contains an entry for this variant (Variation ID: 626125). This variant has not been reported in the literature in individuals affected with KCNQ2-related conditions. This variant is not present in population databases (gnomAD no frequency). This sequence change replaces arginine, which is basic and polar, with proline, which is neutral and non-polar, at codon 677 of the KCNQ2 protein (p.Arg677Pro).

Center for Genomics, Ann and Robert H. Lurie Children's Hospital of Chicago
Classification: Uncertain significance for Developmental and epileptic encephalopathy, 7; Seizures, benign familial neonatal, 1. Review status: criteria provided, single submitter. Criteria: ACMG Guidelines, 2015. Collection method: clinical testing. Allele origin: germline.
Comment: KCNQ2 NM_172107.3 exon 17 p.Arg677Pro (c.2030G>C): This variant has not been reported in the literature and is not present in large control databases. Evolutionary conservation and computational predictive tools for this variant are unclear. In summary, data on this variant is insufficient for disease classification. Therefore, the clinical significance of this variant is uncertain

NM_172107.4(KCNQ2):c.2030G>C (p.Arg677Pro)

Gene: KCNQ2 (potassium voltage-gated channel subfamily Q member 2; minus strand). Cytogenetic location: 20q13.33.
Variant type: single nucleotide variant.
Coding change: c.2030G>C on transcript NM_172107.4 (MANE Select); coding-DNA position 2030, G replaced by C.
Protein change: p.Arg677Pro; replaces arginine 677 with proline.
Molecular consequence: missense variant.
Genome position (GRCh38, 1-based): chr20:63,407,233, C>G on the plus strand (G>C on the coding strand, the complement: KCNQ2 is on the minus strand). VCF-style: chr20-63407233-C-G. GRCh37 (hg19) VCF-style: chr20-62038586-C-G.
Other names: c.1946G>C, p.Arg649Pro (NM_004518.6); c.1976G>C, p.Arg659Pro (NM_172106.3); c.1937G>C, p.Arg646Pro (NM_172108.5); short protein forms R677P, R646P, R659P, R649P.
Identifiers: ClinVar variation 626125 (VCV000626125.11), dbSNP rs1326189284, ClinGen allele CA409639145.